The following is an entry in ClinVar:

ClinVar aggregate classification (germline): Uncertain significance. Review status: criteria provided, multiple submitters, no conflicts (2 of 4 stars). 2 submissions from 2 submitters: Uncertain significance (2). Last evaluated 2024-10-26.

Conditions:
Hereditary cancer-predisposing syndrome. Also called: Hereditary Cancer Syndrome; Hereditary neoplastic syndrome; Neoplastic Syndromes, Hereditary; Tumor predisposition. Identifiers: Orphanet 140162, MedGen C0027672, MeSH D009386, MONDO:0015356.
Tuberous sclerosis 2 (TSC2). Identifiers: Orphanet 805, MedGen C1860707, MONDO:0013199, OMIM 613254.

Submissions (2):

Ambry Genetics
Classification: Uncertain significance for Hereditary cancer-predisposing syndrome. Last evaluated: 2024-10-26. Review status: criteria provided, single submitter. Criteria: Ambry Variant Classification Scheme 2023. Collection method: clinical testing. Allele origin: germline.
Comment: The p.M1236I variant (also known as c.3708G>A), located in coding exon 30 of the TSC2 gene, results from a G to A substitution at nucleotide position 3708. The methionine at codon 1236 is replaced by isoleucine, an amino acid with highly similar properties. This amino acid position is conserved. In addition, this alteration is predicted to be deleterious by in silico analysis. Based on the available evidence, the clinical significance of this variant remains unclear.

Labcorp Genetics (formerly Invitae), Labcorp
Classification: Uncertain significance for Tuberous sclerosis 2. Last evaluated: 2022-08-29. Review status: criteria provided, single submitter. Criteria: Invitae Variant Classification Sherloc (09022015). Collection method: clinical testing. Allele origin: germline.
Comment: This sequence change replaces methionine, which is neutral and non-polar, with isoleucine, which is neutral and non-polar, at codon 1236 of the TSC2 protein (p.Met1236Ile). This variant is not present in population databases (gnomAD no frequency). This variant has not been reported in the literature in individuals affected with TSC2-related conditions. Advanced modeling of protein sequence and biophysical properties (such as structural, functional, and spatial information, amino acid conservation, physicochemical variation, residue mobility, and thermodynamic stability) performed at Invitae indicates that this missense variant is not expected to disrupt TSC2 protein function. In summary, the available evidence is currently insufficient to determine the role of this variant in disease. Therefore, it has been classified as a Variant of Uncertain Significance.

NM_000548.5(TSC2):c.3708G>A (p.Met1236Ile)

Gene: TSC2 (TSC complex subunit 2; plus strand). Cytogenetic location: 16p13.3.
Variant type: single nucleotide variant.
Coding change: c.3708G>A on transcript NM_000548.5 (MANE Select); coding-DNA position 3708, G replaced by A.
Protein change: p.Met1236Ile; replaces methionine 1236 with isoleucine.
Molecular consequence: missense variant.
Genome position (GRCh38, 1-based): chr16:2,081,692, G>A. VCF-style: chr16-2081692-G-A. GRCh37 (hg19) VCF-style: chr16-2131693-G-A.
Other names: c.3576G>A, p.Met1192Ile (NM_001406665.1, NM_001077183.3, NM_001370404.1); c.3669G>A, p.Met1223Ile (NM_001406667.1); c.3579G>A, p.Met1193Ile (NM_001370405.1, NM_001363528.2, NM_021055.3); c.3705G>A, p.Met1235Ile (NM_001406663.1, NM_001406664.1); c.3708G>A, p.Met1236Ile (NM_001114382.3); c.3468G>A, p.Met1156Ile (NM_001318827.2); c.3432G>A, p.Met1144Ile (NM_001318829.2); c.2976G>A, p.Met992Ile (NM_001318831.2, NM_001406687.1, NM_001406688.1); and 18 more; short protein forms M1156I, M1173I, M1186I, M1235I, M1236I, M745I, M788I, M993I.
Identifiers: ClinVar variation 2075111 (VCV002075111.2), dbSNP rs2544157414, ClinGen allele CA394292653.